The following is an entry in ClinVar:

ClinVar aggregate classification (germline): Uncertain significance. Review status: criteria provided, multiple submitters, no conflicts (2 of 4 stars). 2 submissions from 2 submitters: Uncertain significance (2). Last evaluated 2025-05-05.

Conditions:
DICER1-related tumor predisposition. Also called: DICER1 syndrome; DICER1-related pleuropulmonary blastoma cancer predisposition syndrome. Identifiers: Orphanet 284343, MedGen C3839822, MONDO:0100216.
Hereditary cancer-predisposing syndrome. Also called: Neoplastic Syndromes, Hereditary; Tumor predisposition; Hereditary Cancer Syndrome; Hereditary neoplastic syndrome. Identifiers: Orphanet 140162, MedGen C0027672, MeSH D009386, MONDO:0015356.

Submissions (2):

Labcorp Genetics (formerly Invitae), Labcorp
Classification: Uncertain significance for DICER1-related tumor predisposition. Last evaluated: 2025-05-05. Review status: criteria provided, single submitter. Criteria: Invitae Variant Classification Sherloc (09022015). Collection method: clinical testing. Allele origin: germline.
Comment: This sequence change replaces alanine, which is neutral and non-polar, with valine, which is neutral and non-polar, at codon 1133 of the DICER1 protein (p.Ala1133Val). This variant is not present in population databases (gnomAD no frequency). This variant has not been reported in the literature in individuals affected with DICER1-related conditions. ClinVar contains an entry for this variant (Variation ID: 1730961). Invitae Evidence Modeling of protein sequence and biophysical properties (such as structural, functional, and spatial information, amino acid conservation, physicochemical variation, residue mobility, and thermodynamic stability) indicates that this missense variant is not expected to disrupt DICER1 protein function with a negative predictive value of 95%. In summary, the available evidence is currently insufficient to determine the role of this variant in disease. Therefore, it has been classified as a Variant of Uncertain Significance.

Ambry Genetics
Classification: Uncertain significance for Hereditary cancer-predisposing syndrome. Last evaluated: 2024-06-03. Review status: criteria provided, single submitter. Criteria: Ambry Variant Classification Scheme 2023. Collection method: clinical testing. Allele origin: germline.
Comment: The p.A1133V variant (also known as c.3398C>T), located in coding exon 20 of the DICER1 gene, results from a C to T substitution at nucleotide position 3398. The alanine at codon 1133 is replaced by valine, an amino acid with similar properties. This amino acid position is well conserved in available vertebrate species. In addition, the in silico prediction for this alteration is inconclusive. Based on the available evidence, the clinical significance of this variant remains unclear.

NM_177438.3(DICER1):c.3398C>T (p.Ala1133Val)

Gene: DICER1 (dicer 1, ribonuclease III; minus strand). Cytogenetic location: 14q32.13.
Variant type: single nucleotide variant.
Coding change: c.3398C>T on transcript NM_177438.3 (MANE Select); coding-DNA position 3398, C replaced by T.
Protein change: p.Ala1133Val; replaces alanine 1133 with valine.
Molecular consequence: missense variant. On other transcripts: non-coding transcript variant (6).
Genome position (GRCh38, 1-based): chr14:95,103,998, G>A on the plus strand (C>T on the coding strand, the complement: DICER1 is on the minus strand). VCF-style: chr14-95103998-G-A. GRCh37 (hg19) VCF-style: chr14-95570335-G-A.
Other names: c.3398C>T, p.Ala1133Val (NM_001195573.1, NM_001271282.3, NM_001291628.2 and 13 more transcripts); c.3116C>T, p.Ala1039Val (NM_001395686.1); c.2993C>T, p.Ala998Val (NM_001395687.1, NM_001395688.1, NM_001395689.1 and 2 more transcripts); c.2831C>T, p.Ala944Val (NM_001395691.1); c.1715C>T, p.Ala572Val (NM_001395697.1); short protein forms A1039V, A572V, A1133V, A944V, A998V.
Identifiers: ClinVar variation 1730961 (VCV001730961.5), dbSNP rs2139969521, ClinGen allele CA390875602.